The following is an entry in ClinVar:

NM_134261.3(RORA):c.1256A>T (p.Glu419Val)

Genes: RORA (RAR related orphan receptor A; minus strand), RORA-AS1 (RORA antisense RNA 1; plus strand). Cytogenetic location: 15q22.2.
Variant type: single nucleotide variant.
Coding change: c.1256A>T on transcript NM_134261.3 (MANE Select); coding-DNA position 1256, A replaced by T.
Protein change: p.Glu419Val; replaces glutamic acid 419 with valine.
Molecular consequence: missense variant.
Genome position (GRCh38, 1-based): chr15:60,500,997, T>A on the plus strand (A>T on the coding strand, the complement: RORA is on the minus strand). VCF-style: chr15-60500997-T-A. GRCh37 (hg19) VCF-style: chr15-60793196-T-A.
Other names: c.1331A>T, p.Glu444Val (NM_002943.4); c.1355A>T, p.Glu452Val (NM_134260.3); c.1091A>T, p.Glu364Val (NM_134262.3); c.1355A>T (NM_134260.2); short protein forms E364V, E452V, E419V, E444V.
Identifiers: ClinVar variation 4925278 (VCV004925278.2).

ClinVar aggregate classification (germline): Uncertain significance. Review status: criteria provided, multiple submitters, no conflicts (2 of 4 stars). 2 submissions from 2 submitters: Uncertain significance (2). Last evaluated 2026-06-15.

Conditions:
Inborn genetic diseases. Identifiers: MedGen C0950123, MeSH D030342.

gnomAD v4.1: 13 of 1,609,340 alleles (0.00081%); highest among the groups gnomAD compares: Non-Finnish European, 0.001%; no homozygotes.

Submissions (2):

Ambry Genetics
Classification: Uncertain significance for Inborn genetic diseases. Last evaluated: 2026-06-15. Review status: criteria provided, single submitter. Criteria: Ambry Variant Classification Scheme 2023. Collection method: clinical testing. Allele origin: germline.
Comment: The c.1355A>T (p.E452V) alteration is located in exon 10 (coding exon 10) of the RORA gene. This alteration results from a A to T substitution at nucleotide position 1355, causing the glutamic acid (E) at amino acid position 452 to be replaced by a valine (V). Based on data from gnomAD, the T allele has an overall frequency of 0.001% (2/250128) total alleles studied. The highest observed frequency was 0.016% (1/6096) of Other alleles. Based on insufficient or conflicting evidence, the clinical significance of this alteration remains unclear.

Blueprint Genetics
Classification: Uncertain significance. Last evaluated: 2020-10-02. Review status: criteria provided, single submitter. Criteria: ACMG Guidelines, 2015. Collection method: clinical testing. Allele origin: germline.